The following is an entry in ClinVar:

NM_001330239.4(TJP1):c.1086C>T (p.His362=)

Gene: TJP1 (tight junction protein 1; minus strand). Cytogenetic location: 15q13.1.
Variant type: single nucleotide variant.
Coding change: c.1086C>T on transcript NM_001330239.4 (MANE Select); coding-DNA position 1086, C replaced by T.
Protein change: p.His362=; no amino-acid change (histidine 362 retained).
Molecular consequence: synonymous variant.
Genome position (GRCh38, 1-based): chr15:29,742,706, G>A on the plus strand (C>T on the coding strand, the complement: TJP1 is on the minus strand). VCF-style: chr15-29742706-G-A. GRCh37 (hg19) VCF-style: chr15-30034910-G-A.
Other names: c.1365C>T, p.His455= (NM_001301025.3, NM_001355012.2); c.1098C>T, p.His366= (NM_001301026.2, NM_001355013.1); c.1086C>T, p.His362= (NM_001355014.2, NM_001355015.2, NM_003257.5 and 1 more transcripts).
Identifiers: ClinVar variation 3056576 (VCV003056576.2), dbSNP rs2229513, ClinGen allele CA7447351.

ClinVar aggregate classification (germline): Benign (0 of 4 stars; one submission).

Conditions:
TJP1-related disorder. Also called: TJP1-related condition.

Allele frequency attached by ClinVar (database versions not stated): gnomAD exomes 0.00155; ExAC 0.00396; ESP Exome Variant Server 0.01218; gnomAD 0.01242; 1000 Genomes Project 0.01258; 1000 Genomes Project 30x 0.01390; TOPMed 0.01408.
gnomAD v4.1: 4,283 of 1,605,804 alleles (0.27%); highest among the groups gnomAD compares: African/African-American, 4.1%; 83 homozygotes.

Submission:

PreventionGenetics, part of Exact Sciences
Classification: Benign for TJP1-related condition. Last evaluated: 2019-02-19. Review status: no assertion criteria provided. Collection method: clinical testing. Allele origin: germline.
Comment: This variant is classified as benign based on ACMG/AMP sequence variant interpretation guidelines (Richards et al. 2015 PMID: 25741868, with internal and published modifications).